The following is an entry in ClinVar:

NM_005228.5(EGFR):c.439G>A (p.Ala147Thr)

Gene: EGFR (epidermal growth factor receptor; plus strand). Cytogenetic location: 7p11.2.
Variant type: single nucleotide variant.
Coding change: c.439G>A on transcript NM_005228.5 (MANE Select); coding-DNA position 439, G replaced by A.
Protein change: p.Ala147Thr; replaces alanine 147 with threonine.
Molecular consequence: missense variant. On other transcripts: intron variant (3).
Genome position (GRCh38, 1-based): chr7:55,146,620, G>A. VCF-style: chr7-55146620-G-A. GRCh37 (hg19) VCF-style: chr7-55214313-G-A.
Other names: c.439G>A, p.Ala147Thr (NM_001346898.2, NM_201282.2, NM_201283.2 and 1 more transcripts); c.280G>A, p.Ala94Thr (NM_001346900.2); c.424+3132G>A (NM_001346899.2, NM_001346897.2); c.89-9210G>A (NM_001346941.2); short protein forms A94T, A147T.
Identifiers: ClinVar variation 960359 (VCV000960359.9), dbSNP rs532655845, ClinGen allele CA4265222.

ClinVar aggregate classification (germline): Uncertain significance. Review status: criteria provided, multiple submitters, no conflicts (2 of 4 stars). 2 submissions from 2 submitters: Uncertain significance (2). Last evaluated 2025-09-10.

Conditions:
Hereditary cancer-predisposing syndrome. Also called: Tumor predisposition; Hereditary neoplastic syndrome; Neoplastic Syndromes, Hereditary; Hereditary Cancer Syndrome. Identifiers: Orphanet 140162, MedGen C0027672, MeSH D009386, MONDO:0015356.
EGFR-related lung cancer (EGFR). Identifiers: MedGen CN130014.

Allele frequency attached by ClinVar (database versions not stated): gnomAD 0.00001; gnomAD exomes 0.00001; TOPMed 0.00001; ExAC 0.00002; 1000 Genomes Project 0.00020; 1000 Genomes Project 30x 0.00031.
gnomAD v4.1: 8 of 1,614,066 alleles (0.0005%); highest among the groups gnomAD compares: East Asian, 0.0067%; no homozygotes.

Submissions (2):

Labcorp Genetics (formerly Invitae), Labcorp
Classification: Uncertain significance for EGFR-related lung cancer. Last evaluated: 2025-09-10. Review status: criteria provided, single submitter. Criteria: Invitae Variant Classification Sherloc (09022015). Collection method: clinical testing. Allele origin: germline.
Comment: This sequence change replaces alanine, which is neutral and non-polar, with threonine, which is neutral and polar, at codon 147 of the EGFR protein (p.Ala147Thr). This variant is present in population databases (rs532655845, gnomAD 0.01%). This variant has not been reported in the literature in individuals affected with EGFR-related conditions. ClinVar contains an entry for this variant (Variation ID: 960359). An algorithm developed to predict the effect of missense changes on protein structure and function outputs the following: PolyPhen-2: "Benign". The threonine amino acid residue is found in multiple mammalian species, which suggests that this missense change does not adversely affect protein function. In summary, the available evidence is currently insufficient to determine the role of this variant in disease. Therefore, it has been classified as a Variant of Uncertain Significance.

Ambry Genetics
Classification: Uncertain significance for Hereditary cancer-predisposing syndrome. Last evaluated: 2024-11-08. Review status: criteria provided, single submitter. Criteria: Ambry Variant Classification Scheme 2023. Collection method: clinical testing. Allele origin: germline.
Comment: The p.A147T variant (also known as c.439G>A), located in coding exon 4 of the EGFR gene, results from a G to A substitution at nucleotide position 439. The alanine at codon 147 is replaced by threonine, an amino acid with similar properties. This amino acid position is not well conserved in available vertebrate species. In addition, this alteration is predicted to be tolerated by in silico analysis. Based on the available evidence, the clinical significance of this variant remains unclear.